The following is an entry in ClinVar:

NM_001382430.1(AKT1):c.558C>G (p.Ile186Met)

Gene: AKT1 (AKT serine/threonine kinase 1; minus strand). Cytogenetic location: 14q32.33.
Variant type: single nucleotide variant.
Coding change: c.558C>G on transcript NM_001382430.1 (MANE Select); coding-DNA position 558, C replaced by G.
Protein change: p.Ile186Met; replaces isoleucine 186 with methionine.
Molecular consequence: missense variant.
Genome position (GRCh38, 1-based): chr14:104,775,085, G>C on the plus strand (C>G on the coding strand, the complement: AKT1 is on the minus strand). VCF-style: chr14-104775085-G-C. GRCh37 (hg19) VCF-style: chr14-105241422-G-C.
Other names: c.558C>G, p.Ile186Met (NM_001014431.2, NM_001014432.2, NM_001382431.1 and 3 more transcripts); short protein forms I186M.
Identifiers: ClinVar variation 1748470 (VCV001748470.2), dbSNP rs34670300, ClinGen allele CA391219323.

ClinVar aggregate classification (germline): Uncertain significance (1 of 4 stars; one submission).

Conditions:
Inborn genetic diseases. Identifiers: MedGen C0950123, MeSH D030342.

Submission:

Ambry Genetics
Classification: Uncertain significance for Inborn genetic diseases. Last evaluated: 2021-12-03. Review status: criteria provided, single submitter. Criteria: Ambry Variant Classification Scheme 2023. Collection method: clinical testing. Allele origin: germline.
Comment: The p.I186M variant (also known as c.558C>G), located in coding exon 5 of the AKT1 gene, results from a C to G substitution at nucleotide position 558. The isoleucine at codon 186 is replaced by methionine, an amino acid with highly similar properties. This amino acid position is conserved. In addition, this alteration is predicted to be tolerated by in silico analysis. Since supporting evidence is limited at this time, the clinical significance of this alteration remains unclear.